The following is an entry in ClinVar:

NM_030650.3(LNPK):c.-18A>G

Gene: LNPK (lunapark, ER junction formation factor; minus strand). Cytogenetic location: 2q31.1.
Variant type: single nucleotide variant.
Coding change: c.-18A>G on transcript NM_030650.3 (MANE Select); 18 bases upstream of the start codon, A replaced by G.
Molecular consequence: 5 prime UTR variant. On other transcripts: missense variant (2), non-coding transcript variant (1).
Genome position (GRCh38, 1-based): chr2:175,995,602, T>C on the plus strand (A>G on the coding strand, the complement: LNPK is on the minus strand). VCF-style: chr2-175995602-T-C. GRCh37 (hg19) VCF-style: chr2-176860330-T-C.
Other names: c.176A>G, p.Gln59Arg (NM_001305008.1, NM_001305010.1); c.-18A>G (NM_001305009.1); c.-157A>G (NM_001305011.2); short protein forms Q59R.
Identifiers: ClinVar variation 3051132 (VCV003051132.2), dbSNP rs375567653, ClinGen allele CA1976141.

ClinVar aggregate classification (germline): Likely benign (0 of 4 stars; one submission).

Conditions:
LNPK-related disorder. Also called: LNPK-related condition.

Allele frequency attached by ClinVar (database versions not stated): ExAC 0.00033; gnomAD 0.00115; TOPMed 0.00132; ESP Exome Variant Server 0.00154; 1000 Genomes Project 0.00180; 1000 Genomes Project 30x 0.00219.
gnomAD v4.1: 346 of 1,601,324 alleles (0.022%); highest among the groups gnomAD compares: African/African-American, 0.38%; no homozygotes.

Submission:

PreventionGenetics, part of Exact Sciences
Classification: Likely benign for LNPK-related condition. Last evaluated: 2023-12-31. Review status: no assertion criteria provided. Collection method: clinical testing. Allele origin: germline.
Comment: This variant is classified as likely benign based on ACMG/AMP sequence variant interpretation guidelines (Richards et al. 2015 PMID: 25741868, with internal and published modifications).